The following is an entry in ClinVar:

NM_004415.4(DSP):c.2184T>A (p.Asp728Glu)

Gene: DSP (desmoplakin; plus strand). Cytogenetic location: 6p24.3.
Variant type: single nucleotide variant.
Coding change: c.2184T>A on transcript NM_004415.4 (MANE Select); coding-DNA position 2184, T replaced by A.
Protein change: p.Asp728Glu; replaces aspartic acid 728 with glutamic acid.
Molecular consequence: missense variant.
Genome position (GRCh38, 1-based): chr6:7,574,139, T>A. VCF-style: chr6-7574139-T-A. GRCh37 (hg19) VCF-style: chr6-7574372-T-A.
Other names: c.2184T>A (LRG_423t1); c.2184T>A, p.Asp728Glu (NM_001008844.3, NM_001319034.2); short protein forms D728E.
Identifiers: ClinVar variation 629451 (VCV000629451.15), dbSNP rs750383681, ClinGen allele CA032115.

ClinVar aggregate classification (germline): Conflicting classifications of pathogenicity. Review status: criteria provided, conflicting classifications (1 of 4 stars). 3 submissions from 3 submitters: Uncertain significance (2); Likely benign (1). Last evaluated 2025-07-28.

Conditions:
Cardiomyopathy (CMYO). Also called: Cardiomyopathies. Identifiers: Orphanet 167848, MedGen C0878544, MONDO:0004994, HP:0001638. Inheritance: Various modes of inheritance.
Arrhythmogenic cardiomyopathy with wooly hair and keratoderma. Also called: PALMOPLANTAR KERATODERMA WITH LEFT VENTRICULAR CARDIOMYOPATHY AND WOOLLY HAIR; Carvajal syndrome; Dilated cardiomyopathy with woolly hair and keratoderma; Arrhythmogenic cardiomyopathy with woolly hair and keratoderma. Identifiers: Orphanet 65282, MedGen C1854063, MONDO:0011581, OMIM 605676.
Arrhythmogenic right ventricular dysplasia 8 (ARVD8). Also called: ARRHYTHMOGENIC RIGHT VENTRICULAR DYSPLASIA, FAMILIAL, 8; ARRHYTHMOGENIC RIGHT VENTRICULAR CARDIOMYOPATHY 8; Arrhythmogenic Right Ventricular Dysplasia/Cardiomyopathy 8. Identifiers: MedGen C1843896, MONDO:0011831, OMIM 607450.
Cardiovascular phenotype. Identifiers: MedGen CN230736.

Allele frequency attached by ClinVar (database versions not stated): ExAC 0.00002; gnomAD exomes 0.00002.
gnomAD v4.1: 12 of 1,614,138 alleles (0.00074%); highest among the groups gnomAD compares: South Asian, 0.0099%; 1 homozygote.

Submissions (3):

Ambry Genetics
Classification: Uncertain significance for Cardiovascular phenotype. Last evaluated: 2025-07-28. Review status: criteria provided, single submitter. Criteria: Ambry Variant Classification Scheme 2023. Collection method: clinical testing. Allele origin: germline.
Comment: The p.D728E variant (also known as c.2184T>A), located in coding exon 16 of the DSP gene, results from a T to A substitution at nucleotide position 2184. The aspartic acid at codon 728 is replaced by glutamic acid, an amino acid with highly similar properties. This amino acid position is highly conserved in available vertebrate species. In addition, this alteration is predicted to be tolerated by in silico analysis. Based on the available evidence, the clinical significance of this variant remains unclear.

Labcorp Genetics (formerly Invitae), Labcorp
Classification: Likely benign for Arrhythmogenic cardiomyopathy with wooly hair and keratoderma; Arrhythmogenic right ventricular dysplasia 8. Last evaluated: 2022-12-06. Review status: criteria provided, single submitter. Criteria: Invitae Variant Classification Sherloc (09022015). Collection method: clinical testing. Allele origin: germline.

Color Diagnostics, LLC DBA Color Health
Classification: Uncertain significance for Cardiomyopathy. Last evaluated: 2021-03-24. Review status: criteria provided, single submitter. Criteria: ACMG Guidelines, 2015. Collection method: clinical testing. Allele origin: germline.
Comment: This missense variant replaces aspartic acid with glutamic acid at codon 728 of the DSP protein. Computational prediction suggests that this variant may not impact protein structure and function (internally defined REVEL score threshold <= 0.5, PMID: 27666373). To our knowledge, functional studies have not been reported for this variant. This variant has not been reported in individuals affected with cardiovascular disorders in the literature. This variant has been identified in 4/251332 chromosomes in the general population by the Genome Aggregation Database (gnomAD). The available evidence is insufficient to determine the role of this variant in disease conclusively. Therefore, this variant is classified as a Variant of Uncertain Significance.